The following is an entry in ClinVar:

NM_021072.4(HCN1):c.823A>G (p.Ile275Val)

Gene: HCN1 (hyperpolarization activated cyclic nucleotide gated potassium channel 1; minus strand). Cytogenetic location: 5p12.
Variant type: single nucleotide variant.
Coding change: c.823A>G on transcript NM_021072.4 (MANE Select); coding-DNA position 823, A replaced by G.
Protein change: p.Ile275Val; replaces isoleucine 275 with valine.
Molecular consequence: missense variant.
Genome position (GRCh38, 1-based): chr5:45,645,211, T>C on the plus strand (A>G on the coding strand, the complement: HCN1 is on the minus strand). VCF-style: chr5-45645211-T-C. GRCh37 (hg19) VCF-style: chr5-45645313-T-C.
Other names: short protein forms I275V.
Identifiers: ClinVar variation 4083328 (VCV004083328.1).

ClinVar aggregate classification (germline): Uncertain significance (1 of 4 stars; one submission).

Submission:

GeneDx
Classification: Uncertain significance. Last evaluated: 2025-03-14. Review status: criteria provided, single submitter. Criteria: GeneDx Variant Classification Process June 2021. Collection method: clinical testing. Allele origin: germline. Affected: yes.
Comment: Not observed at significant frequency in large population cohorts (gnomAD); In silico analysis is inconclusive as to whether the variant alters gene splicing. In the absence of RNA/functional studies, the actual effect of this sequence change is unknown.; In silico analysis indicates that this missense variant does not alter protein structure/function; Has not been previously published as pathogenic or benign to our knowledge